The following is an entry in ClinVar:

ClinVar aggregate classification (germline): Pathogenic (1 of 4 stars; one submission).

Submission:

Labcorp Genetics (formerly Invitae), Labcorp
Classification: Pathogenic. Last evaluated: 2024-02-24. Review status: criteria provided, single submitter. Criteria: Invitae Variant Classification Sherloc (09022015). Collection method: clinical testing. Allele origin: germline.
Comment: This sequence change creates a premature translational stop signal (p.Cys1057*) in the ALPK3 gene. It is expected to result in an absent or disrupted protein product. Loss-of-function variants in ALPK3 are known to be pathogenic (PMID: 21441111, 26846950, 27106955, 34263907). This variant is not present in population databases (gnomAD no frequency). This variant has not been reported in the literature in individuals affected with ALPK3-related conditions. For these reasons, this variant has been classified as Pathogenic.

Literature cited by the submitters: PubMed 21441111; PubMed 26846950; PubMed 27106955; PubMed 34263907.

NM_020778.5(ALPK3):c.2565T>A (p.Cys855Ter)

Gene: ALPK3 (alpha kinase 3; plus strand). Cytogenetic location: 15q25.3.
Variant type: single nucleotide variant.
Coding change: c.2565T>A on transcript NM_020778.5 (MANE Select); coding-DNA position 2565, T replaced by A.
Protein change: p.Cys855Ter; replaces cysteine 855 with a stop codon.
Molecular consequence: nonsense.
Genome position (GRCh38, 1-based): chr15:84,857,303, T>A. VCF-style: chr15-84857303-T-A. GRCh37 (hg19) VCF-style: chr15-85400534-T-A.
Other names: short protein forms C855*.
Identifiers: ClinVar variation 3684961 (VCV003684961.2).